The following is an entry in ClinVar:

NM_001164508.2(NEB):c.13251dup (p.Gln4418fs)

Gene: NEB (nebulin; minus strand). Cytogenetic location: 2q23.3.
Variant type: Duplication.
Coding change: c.13251dup on transcript NM_001164508.2 (MANE Select); coding-DNA position 13251, one base duplicated (A; older notation c.13251dupA).
Protein change: p.Gln4418fs; shifts the reading frame from glutamine 4418.
Molecular consequence: frameshift variant. On other transcripts: intron variant (1).
Genome position (GRCh38, 1-based): chr2:151,603,581, T duplicated on the plus strand (A on the coding strand, the reverse complement: NEB is on the minus strand). VCF-style (leftmost placement, unchanged base first): chr2-151603580-G-GT. GRCh37 (hg19) VCF-style: chr2-152460094-G-GT.
Other names: c.13251dupA (NM_001271208.1); c.13251dup, p.Gln4418fs (NM_001164507.2, NM_001271208.2); c.11601+6228dup (NM_004543.5); short protein forms Q4418fs.
Identifiers: ClinVar variation 3344414 (VCV003344414.2).

ClinVar aggregate classification (germline): Likely pathogenic. Review status: criteria provided, single submitter (1 of 4 stars). 2 submissions from 2 submitters: Likely pathogenic (1). 1 of the submissions does not count toward it. Last evaluated 2024-07-26.

Conditions:
Nemaline myopathy 2 (NEM2). Also called: Nemaline myopathy 2, autosomal recessive. Identifiers: MedGen C1850569, MONDO:0009725, OMIM 256030.
NEB-related disorder. Also called: NEB-Related Disorders; NEB-related condition.

Submissions (2):

Natera, Inc.
Classification: Likely pathogenic for Nemaline myopathy type 2. Last evaluated: 2024-07-26. Review status: criteria provided, single submitter. Criteria: Natera Variant Classification Schema (03/2026). Collection method: clinical testing. Allele origin: germline.
Comment: The c.13251dup variant in NEB is a frameshift variant predicted to shift the reading frame beginning at codon 4418 and leads to a stop codon 4 codons downstream. This variant is expected to result in nonsense mediated decay, truncation, or a dysfunctional protein product. This variant is rare in the general population with a frequency below the threshold expected for the associated phenotype(s). Given the available evidence, this variant is classified as Likely Pathogenic.

PreventionGenetics, part of Exact Sciences
Classification: Likely pathogenic for NEB-related condition. Last evaluated: 2024-08-08. Review status: no assertion criteria provided. Collection method: clinical testing. Allele origin: germline. Not counted in ClinVar's aggregate classification.
Comment: The NEB c.13251dupA variant is predicted to result in a frameshift and premature protein termination (p.Gln4418Thrfs*4). To our knowledge, this variant has not been reported in the literature or in a large population database, indicating this variant is rare. Frameshift variants in NEB are expected to be pathogenic. This variant is interpreted as likely pathogenic.